The following is an entry in ClinVar:

ClinVar aggregate classification (germline): Uncertain significance (1 of 4 stars; one submission).

Submission:

Labcorp Genetics (formerly Invitae), Labcorp
Classification: Uncertain significance. Last evaluated: 2023-10-24. Review status: criteria provided, single submitter. Criteria: Invitae Variant Classification Sherloc (09022015). Collection method: clinical testing. Allele origin: unknown.
Comment: This variant results in a copy number gain of the genomic region encompassing exon(s) 5-15 of the MKL1 gene. This region includes the termination codon of the gene. This copy number gain extends beyond the assayed region for this gene and therefore may encompass additional genes. As the precise location of this event is unknown, it may be in tandem or it may be located elsewhere in the genome. This variant has not been reported in the literature in individuals affected with MKL1-related conditions. In summary, the available evidence is currently insufficient to determine the role of this variant in disease. Therefore, it has been classified as a Variant of Uncertain Significance.

NC_000022.10:g.(?_40807394)_(40831578_?)dup

Gene: MRTFA (myocardin related transcription factor A; minus strand). Cytogenetic location: 22q13.1.
Variant type: Duplication.
Identifiers: ClinVar variation 3248133 (VCV003248133.1).